The following is an entry in ClinVar:

ClinVar aggregate classification (germline): Uncertain significance. Review status: criteria provided, multiple submitters, no conflicts (2 of 4 stars). 4 submissions from 4 submitters: Uncertain significance (4). Last evaluated 2024-11-11.

Conditions:
Inborn genetic diseases. Identifiers: MedGen C0950123, MeSH D030342.

Allele frequency attached by ClinVar (database versions not stated): ExAC 0.00011; gnomAD 0.00012 and 0.00014; ESP Exome Variant Server 0.00015; TOPMed 0.00015.
gnomAD v4.1: 286 of 1,611,218 alleles (0.018%); highest among the groups gnomAD compares: Non-Finnish European, 0.022%; 1 homozygote.

Submissions (4):

Blueprint Genetics
Classification: Uncertain significance. Last evaluated: 2024-11-11. Review status: criteria provided, single submitter. Criteria: ACMG Guidelines, 2015. Collection method: clinical testing. Allele origin: germline.

Ambry Genetics
Classification: Uncertain significance for Inborn genetic diseases. Last evaluated: 2024-08-11. Review status: criteria provided, single submitter. Criteria: Ambry Variant Classification Scheme 2023. Collection method: clinical testing. Allele origin: germline.

Labcorp Genetics (formerly Invitae), Labcorp
Classification: Uncertain significance. Last evaluated: 2022-06-29. Review status: criteria provided, single submitter. Criteria: Invitae Variant Classification Sherloc (09022015). Collection method: clinical testing. Allele origin: germline.
Comment: This sequence change replaces threonine, which is neutral and polar, with methionine, which is neutral and non-polar, at codon 805 of the INPPL1 protein (p.Thr805Met). This variant is present in population databases (rs148568665, gnomAD 0.02%). This variant has not been reported in the literature in individuals affected with INPPL1-related conditions. ClinVar contains an entry for this variant (Variation ID: 1301433). Algorithms developed to predict the effect of missense changes on protein structure and function are either unavailable or do not agree on the potential impact of this missense change (SIFT: "Deleterious"; PolyPhen-2: "Benign"; Align-GVGD: "Class C0"). Algorithms developed to predict the effect of sequence changes on RNA splicing suggest that this variant may disrupt the consensus splice site. In summary, the available evidence is currently insufficient to determine the role of this variant in disease. Therefore, it has been classified as a Variant of Uncertain Significance.

GeneDx
Classification: Uncertain significance. Last evaluated: 2021-10-22. Review status: criteria provided, single submitter. Criteria: GeneDx Variant Classification Process June 2021. Collection method: clinical testing. Allele origin: germline. Affected: yes.
Comment: In silico analysis supports that this missense variant does not alter protein structure/function; Has not been previously published as pathogenic or benign to our knowledge

NM_001567.4(INPPL1):c.2414C>T (p.Thr805Met)

Gene: INPPL1 (inositol polyphosphate phosphatase like 1; plus strand). Cytogenetic location: 11q13.4.
Variant type: single nucleotide variant.
Coding change: c.2414C>T on transcript NM_001567.4 (MANE Select); coding-DNA position 2414, C replaced by T.
Protein change: p.Thr805Met; replaces threonine 805 with methionine.
Molecular consequence: missense variant.
Genome position (GRCh38, 1-based): chr11:72,234,614, C>T. VCF-style: chr11-72234614-C-T. GRCh37 (hg19) VCF-style: chr11-71945658-C-T.
Other names: short protein forms T805M.
Identifiers: ClinVar variation 1301433 (VCV001301433.7), dbSNP rs148568665, ClinGen allele CA6170345.